The following is an entry in ClinVar:

NM_145207.3(AFG2A):c.1587G>T (p.Arg529=)

Gene: AFG2A (AAA ATPase AFG2A; plus strand). Cytogenetic location: 4q28.1.
Variant type: single nucleotide variant.
Coding change: c.1587G>T on transcript NM_145207.3 (MANE Select); coding-DNA position 1587, G replaced by T.
Protein change: p.Arg529=; no amino-acid change (arginine 529 retained).
Molecular consequence: synonymous variant.
Genome position (GRCh38, 1-based): chr4:122,947,361, G>T. VCF-style: chr4-122947361-G-T. GRCh37 (hg19) VCF-style: chr4-123868516-G-T.
Other names: c.1584G>T, p.Arg528= (NM_001317799.2, NM_001345856.2).
Identifiers: ClinVar variation 475720 (VCV000475720.25), dbSNP rs140187138, ClinGen allele CA3070492.

ClinVar aggregate classification (germline): Likely benign. Review status: criteria provided, multiple submitters, no conflicts (2 of 4 stars). 3 submissions from 3 submitters: Likely benign (3). Last evaluated 2024-12-09.

Conditions:
Microcephaly-intellectual disability-sensorineural hearing loss-epilepsy-abnormal muscle tone syndrome (NEDHSB). Also called: NEURODEVELOPMENTAL DISORDER WITH HEARING LOSS, SEIZURES, AND BRAIN ABNORMALITIES. Identifiers: Orphanet 457351, MedGen C4225276, MONDO:0014698, OMIM 616577.

Allele frequency attached by ClinVar (database versions not stated): ExAC 0.00002; gnomAD 0.00002 and 0.00003; gnomAD exomes 0.00003 and 0.00007; TOPMed 0.00003; ESP Exome Variant Server 0.00008.
gnomAD v4.1: 49 of 1,614,030 alleles (0.003%); highest among the groups gnomAD compares: South Asian, 0.034%; no homozygotes.

Submissions (3):

Labcorp Genetics (formerly Invitae), Labcorp
Classification: Likely benign for Microcephaly-intellectual disability-sensorineural hearing loss-epilepsy-abnormal muscle tone syndrome. Last evaluated: 2024-12-09. Review status: criteria provided, single submitter. Criteria: Invitae Variant Classification Sherloc (09022015). Collection method: clinical testing. Allele origin: germline.

CeGaT Center for Human Genetics Tuebingen
Classification: Likely benign. Last evaluated: 2024-12-01. Review status: criteria provided, single submitter. Criteria: CeGaT Center For Human Genetics Tuebingen Variant Classification Criteria Version 2. Collection method: clinical testing. Allele origin: germline. Affected: yes. Observed: 1 variant allele.
Comment: AFG2A: BP4, BP7

GeneDx
Classification: Likely benign. Last evaluated: 2019-08-23. Review status: criteria provided, single submitter. Criteria: GeneDx Variant Classification Process June 2021. Collection method: clinical testing. Allele origin: germline. Affected: yes.